The following is an entry in ClinVar:

NC_000001.11:g.(?_43446935)_(43450500_?)del

Genes: MIR6735 (microRNA 6735; plus strand), SZT2 (SZT2 subunit of KICSTOR complex; plus strand), SZT2-AS1 (SZT2 antisense RNA 1; minus strand). Cytogenetic location: 1p34.2.
Variant type: Deletion.
Identifiers: ClinVar variation 658448 (VCV000658448.6).

ClinVar aggregate classification (germline): Uncertain significance (1 of 4 stars; one submission).

Submission:

Labcorp Genetics (formerly Invitae), Labcorp
Classification: Uncertain significance. Last evaluated: 2020-01-27. Review status: criteria provided, single submitter. Criteria: Invitae Variant Classification Sherloc (09022015). Collection method: clinical testing. Allele origin: germline.
Comment: In summary, the available evidence is currently insufficient to determine the role of this variant in disease. Therefore, it has been classified as a Variant of Uncertain Significance. Experimental studies and prediction algorithms are not available for this variant, and the functional significance of the affected amino acid(s) is currently unknown. This variant has not been reported in the literature in individuals with SZT2-related disease. This variant is a gross deletion of the genomic region encompassing exons 65-71 of the SZT2 gene. The 5' boundary is likely confined to intron 64. The 3' end of this event is unknown as it extends through the termination codon beyond the assayed region for this gene and may encompass additional genes. While this deletion is not anticipated to result in nonsense mediated decay, it is expected to create a truncated protein product or disrupt mRNA translation.